The following is an entry in ClinVar:

ClinVar aggregate classification (germline): Likely pathogenic. Review status: criteria provided, multiple submitters, no conflicts (2 of 4 stars). 2 submissions from 2 submitters: Likely pathogenic (2). Last evaluated 2025-10-08.

Conditions:
LYST-related disorder. Also called: LYST-related condition.
Chédiak-Higashi syndrome (CHS). Also called: Chediak-Higashi Syndrome. Identifiers: Orphanet 167, MedGen C0007965, MONDO:0008963, OMIM 214500.

Allele frequency attached by ClinVar (database versions not stated): gnomAD exomes below 0.00001.
gnomAD v4.1: 1 of 1,591,542 alleles (0.000063%); highest among the groups gnomAD compares: Non-Finnish European, 0.000085%; no homozygotes.

Submissions (2):

Labcorp Genetics (formerly Invitae), Labcorp
Classification: Likely pathogenic for Chédiak-Higashi syndrome. Last evaluated: 2025-10-08. Review status: criteria provided, single submitter. Criteria: Invitae Variant Classification Sherloc (09022015). Collection method: clinical testing. Allele origin: germline.
Comment: This sequence change affects an acceptor splice site in intron 20 of the LYST gene. It is expected to disrupt RNA splicing. Variants that disrupt the donor or acceptor splice site typically lead to a loss of protein function (PMID: 16199547), and loss-of-function variants in LYST are known to be pathogenic (PMID: 9215679, 11857544). This variant is not present in population databases (gnomAD no frequency). This variant has not been reported in the literature in individuals affected with LYST-related conditions. ClinVar contains an entry for this variant (Variation ID: 1479341). Algorithms developed to predict the effect of sequence changes on RNA splicing suggest that this variant may disrupt the consensus splice site. In summary, the currently available evidence indicates that the variant is pathogenic, but additional data are needed to prove that conclusively. Therefore, this variant has been classified as Likely Pathogenic.

PreventionGenetics, part of Exact Sciences
Classification: Likely pathogenic for LYST-related condition. Last evaluated: 2025-03-15. Review status: criteria provided, single submitter. Criteria: ACMG Guidelines, 2015. Collection method: clinical testing. Allele origin: germline.
Comment: The LYST c.5923-1G>A variant is predicted to disrupt the AG splice acceptor site and interfere with normal splicing. To our knowledge, this variant has not been reported in the literature or in a large population database (gnomAD), indicating this variant is rare. Variants that disrupt the consensus splice acceptor site in LYST are expected to be pathogenic. This variant is interpreted as likely pathogenic.

Literature cited by the submitters: PubMed 16199547 (cited by Labcorp Genetics (formerly Invitae), Labcorp); PubMed 9215679 (cited by Labcorp Genetics (formerly Invitae), Labcorp); PubMed 11857544 (cited by Labcorp Genetics (formerly Invitae), Labcorp).

NM_000081.4(LYST):c.5923-1G>A

Gene: LYST (lysosomal trafficking regulator; minus strand). Cytogenetic location: 1q42.3.
Variant type: single nucleotide variant.
Coding change: c.5923-1G>A on transcript NM_000081.4 (MANE Select); the canonical splice acceptor site of the intron before coding-DNA position 5923, G replaced by A.
Molecular consequence: splice acceptor variant.
Genome position (GRCh38, 1-based): chr1:235,766,278, C>T on the plus strand (G>A on the coding strand, the complement: LYST is on the minus strand). VCF-style: chr1-235766278-C-T. GRCh37 (hg19) VCF-style: chr1-235929578-C-T.
Other names: c.5923-1G>A (NM_001301365.1, NM_000081.3).
Identifiers: ClinVar variation 1479341 (VCV001479341.7), dbSNP rs2527888341, ClinGen allele CA344948372.